The following is an entry in ClinVar:

NM_020693.4(DSCAML1):c.3758C>G (p.Ala1253Gly)

Gene: DSCAML1 (DS cell adhesion molecule like 1; minus strand). Cytogenetic location: 11q23.3.
Variant type: single nucleotide variant.
Coding change: c.3758C>G on transcript NM_020693.4 (MANE Select); coding-DNA position 3758, C replaced by G.
Protein change: p.Ala1253Gly; replaces alanine 1253 with glycine.
Molecular consequence: missense variant.
Genome position (GRCh38, 1-based): chr11:117,443,990, G>C on the plus strand (C>G on the coding strand, the complement: DSCAML1 is on the minus strand). VCF-style: chr11-117443990-G-C. GRCh37 (hg19) VCF-style: chr11-117314706-G-C.
Other names: short protein forms A1253G.
Identifiers: ClinVar variation 2818803 (VCV002818803.3), dbSNP rs760609052, ClinGen allele CA382762013.

ClinVar aggregate classification (germline): Uncertain significance (1 of 4 stars; one submission).

gnomAD v4.1: 4 of 1,613,956 alleles (0.00025%); highest among the groups gnomAD compares: Non-Finnish European, 0.00034%; no homozygotes.

Submission:

Labcorp Genetics (formerly Invitae), Labcorp
Classification: Uncertain significance. Last evaluated: 2022-12-05. Review status: criteria provided, single submitter. Criteria: Invitae Variant Classification Sherloc (09022015). Collection method: clinical testing. Allele origin: germline.
Comment: This variant has not been reported in the literature in individuals affected with DSCAML1-related conditions. This variant is present in population databases (no rsID available, gnomAD 0.0009%). This sequence change replaces alanine, which is neutral and non-polar, with glycine, which is neutral and non-polar, at codon 1313 of the DSCAML1 protein (p.Ala1313Gly). Algorithms developed to predict the effect of missense changes on protein structure and function (SIFT, PolyPhen-2, Align-GVGD) all suggest that this variant is likely to be tolerated. In summary, the available evidence is currently insufficient to determine the role of this variant in disease. Therefore, it has been classified as a Variant of Uncertain Significance.